The following is an entry in ClinVar:

NM_058216.3(RAD51C):c.1042G>C (p.Asp348His)

Gene: RAD51C (RAD51 paralog C; plus strand). Cytogenetic location: 17q22.
Variant type: single nucleotide variant.
Coding change: c.1042G>C on transcript NM_058216.3 (MANE Select); coding-DNA position 1042, G replaced by C.
Protein change: p.Asp348His; replaces aspartic acid 348 with histidine.
Molecular consequence: missense variant. On other transcripts: non-coding transcript variant (1).
Genome position (GRCh38, 1-based): chr17:58,734,133, G>C. VCF-style: chr17-58734133-G-C. GRCh37 (hg19) VCF-style: chr17-56811494-G-C.
Other names: c.*470G>C (NM_058217.1); short protein forms D348H.
Identifiers: ClinVar variation 1722311 (VCV001722311.7), dbSNP rs1555605533, ClinGen allele CA400365970.

ClinVar aggregate classification (germline): Uncertain significance. Review status: criteria provided, multiple submitters, no conflicts (2 of 4 stars). 3 submissions from 3 submitters: Uncertain significance (3). Last evaluated 2025-11-17.

Conditions:
Fanconi anemia complementation group O. Also called: RAD51C-Related Fanconi Anemia. Identifiers: Orphanet 84, MedGen C3150653, MONDO:0013248, OMIM 613390.
Hereditary cancer-predisposing syndrome. Also called: Hereditary Cancer Syndrome; Hereditary neoplastic syndrome; Neoplastic Syndromes, Hereditary; Tumor predisposition. Identifiers: Orphanet 140162, MedGen C0027672, MeSH D009386, MONDO:0015356.

Allele frequency attached by ClinVar (database versions not stated): TOPMed below 0.00001.

Submissions (3):

Color Diagnostics, LLC DBA Color Health
Classification: Uncertain significance for Hereditary cancer-predisposing syndrome. Last evaluated: 2025-11-17. Review status: criteria provided, single submitter. Criteria: ACMG Guidelines, 2015. Collection method: clinical testing. Allele origin: germline.
Comment: This missense variant replaces aspartic acid with histidine at codon 348 of the RAD51C protein. Computational prediction is inconclusive regarding the impact of this variant on protein structure and function. To our knowledge, functional studies have not been reported for this variant. This variant has not been reported in individuals affected with RAD51C-related disorders in the literature. This variant has not been identified in the general population by the Genome Aggregation Database (gnomAD). The available evidence is insufficient to determine the role of this variant in disease conclusively. Therefore, this variant is classified as a Variant of Uncertain Significance.

Ambry Genetics
Classification: Uncertain significance for Hereditary cancer-predisposing syndrome. Last evaluated: 2024-08-07. Review status: criteria provided, single submitter. Criteria: Ambry Variant Classification Scheme 2023. Collection method: clinical testing. Allele origin: germline.
Comment: The p.D348H variant (also known as c.1042G>C), located in coding exon 9 of the RAD51C gene, results from a G to C substitution at nucleotide position 1042. The aspartic acid at codon 348 is replaced by histidine, an amino acid with similar properties. This amino acid position is conserved. In addition, the in silico prediction for this alteration is inconclusive. Based on the available evidence, the clinical significance of this variant remains unclear.

Labcorp Genetics (formerly Invitae), Labcorp
Classification: Uncertain significance for Fanconi anemia complementation group O. Last evaluated: 2022-07-22. Review status: criteria provided, single submitter. Criteria: Invitae Variant Classification Sherloc (09022015). Collection method: clinical testing. Allele origin: germline.
Comment: This variant is not present in population databases (gnomAD no frequency). This sequence change replaces aspartic acid, which is acidic and polar, with histidine, which is basic and polar, at codon 348 of the RAD51C protein (p.Asp348His). This variant has not been reported in the literature in individuals affected with RAD51C-related conditions. In summary, the available evidence is currently insufficient to determine the role of this variant in disease. Therefore, it has been classified as a Variant of Uncertain Significance. Advanced modeling of protein sequence and biophysical properties (such as structural, functional, and spatial information, amino acid conservation, physicochemical variation, residue mobility, and thermodynamic stability) performed at Invitae indicates that this missense variant is expected to disrupt RAD51C protein function.